The following is an entry in ClinVar:

ClinVar aggregate classification (germline): Uncertain significance (1 of 4 stars; one submission).

Submission:

Labcorp Genetics (formerly Invitae), Labcorp
Classification: Uncertain significance. Last evaluated: 2022-07-30. Review status: criteria provided, single submitter. Criteria: Invitae Variant Classification Sherloc (09022015). Collection method: clinical testing. Allele origin: germline.
Comment: In summary, the available evidence is currently insufficient to determine the role of this variant in disease. Therefore, it has been classified as a Variant of Uncertain Significance. Algorithms developed to predict the effect of missense changes on protein structure and function (SIFT, PolyPhen-2, Align-GVGD) all suggest that this variant is likely to be tolerated. This variant has not been reported in the literature in individuals affected with CEP78-related conditions. This variant is not present in population databases (gnomAD no frequency). This sequence change replaces arginine, which is basic and polar, with glycine, which is neutral and non-polar, at codon 369 of the CEP78 protein (p.Arg369Gly).

NM_001330691.3(CEP78):c.1102A>G (p.Arg368Gly)

Gene: CEP78 (centrosomal protein 78; plus strand). Cytogenetic location: 9q21.2.
Variant type: single nucleotide variant.
Coding change: c.1102A>G on transcript NM_001330691.3 (MANE Select); coding-DNA position 1102, A replaced by G.
Protein change: p.Arg368Gly; replaces arginine 368 with glycine.
Molecular consequence: missense variant.
Genome position (GRCh38, 1-based): chr9:78,251,940, A>G. VCF-style: chr9-78251940-A-G. GRCh37 (hg19) VCF-style: chr9-80866856-A-G.
Other names: c.1105A>G, p.Arg369Gly (NM_001098802.3, NM_001349839.2, NM_001349840.2 and 1 more transcripts); c.1102A>G, p.Arg368Gly (NM_001330693.3, NM_001330694.2, NM_001349838.2); short protein forms R368G, R369G.
Identifiers: ClinVar variation 1714309 (VCV001714309.5), dbSNP rs2489449543, ClinGen allele CA373858790.